The following is an entry in ClinVar:

ClinVar aggregate classification (germline): Uncertain significance (1 of 4 stars; one submission).

Conditions:
Cardiovascular phenotype. Identifiers: MedGen CN230736.

Submission:

Ambry Genetics
Classification: Uncertain significance for Cardiovascular phenotype. Last evaluated: 2024-08-15. Review status: criteria provided, single submitter. Criteria: Ambry Variant Classification Scheme 2023. Collection method: clinical testing. Allele origin: germline.
Comment: The c.-5_-4delCC variant is located in the 5' untranslated region (5&rsquo;UTR) of the LPL gene. This variant results from a deletion of two nucleotides (CC) at positions c.-5 and c.-4, upstream from the first translated codon. These nucleotide positions are not well conserved in available vertebrate species. Based on the available evidence, the clinical significance of this variant remains unclear.

NM_000237.3(LPL):c.-5_-4del

Gene: LPL (lipoprotein lipase; plus strand). Cytogenetic location: 8p21.3.
Variant type: Deletion.
Coding change: c.-5_-4del on transcript NM_000237.3 (MANE Select); 5 bases upstream of the start codon through 4 bases upstream of the start codon, 2 bases deleted (CC; older notation c.-5_-4delCC).
Molecular consequence: 5 prime UTR variant.
Genome position (GRCh38, 1-based): chr8:19,939,436-19,939,437, CC deleted; deleting any 2 consecutive bases within chr8:19,939,434-19,939,437 gives the same sequence; the c. name uses the placement nearest the transcript's 3' end. VCF-style (leftmost placement, unchanged base first): chr8-19939433-GCC-G. GRCh37 (hg19) VCF-style: chr8-19796944-GCC-G.
Identifiers: ClinVar variation 3539205 (VCV003539205.1).